The following is an entry in ClinVar:

ClinVar aggregate classification (germline): Likely pathogenic. Review status: criteria provided, single submitter (1 of 4 stars). 2 submissions from 2 submitters: Likely pathogenic (1). 1 of the submissions does not count toward it. Last evaluated 2019-10-18.

Conditions:
Microphthalmia/coloboma 11 (MCOPCB11). Identifiers: MedGen C5935584, MONDO:0958239, OMIM 620731.
Congenital ocular coloboma. Also called: COLOBOMA OF IRIS, CHOROID, AND RETINA; COLOBOMA, UVEORETINAL; Coloboma of eye; Coloboma. Identifiers: Orphanet 194, MedGen C0009363, MONDO:0001476, HP:0000589.

Submissions (2):

Genetics Department, University Hospital of Toulouse
Classification: Likely pathogenic for Congenital ocular coloboma. Last evaluated: 2019-10-18. Review status: criteria provided, single submitter. Criteria: ACMG Guidelines, 2015. Collection method: clinical testing. Allele origin: germline. Affected: yes. Observed: 2 variant alleles.
Comment: This heterozygous in-frame deletion of 21 amino acids (p.Asn394_Gly415del) reaches the Frizzled domain of the FZD5 protein. The core functional domain is deprived of 22 amino acids highly conserved. This variant is not present in population databases (ExAC no frequency). This variant has not been reported in the literature in individuals with FZD5-related disease.

OMIM
Classification: Pathogenic for MICROPHTHALMIA/COLOBOMA 11. Last evaluated: 2024-09-27. Review status: no assertion criteria provided. Collection method: literature only. Allele origin: germline. Not counted in ClinVar's aggregate classification.

Literature cited by the submitters: PubMed 26908622 (cited by Genetics Department, University Hospital of Toulouse); PubMed 32737437 (cited by OMIM).

NM_003468.4(FZD5):c.1181_1246del (p.Asn394_Gly415del)

Gene: FZD5 (frizzled class receptor 5; minus strand). Cytogenetic location: 2q33.3.
Variant type: Deletion.
Coding change: c.1181_1246del on transcript NM_003468.4 (MANE Select); coding-DNA positions 1181 to 1246, 66 bases deleted.
Protein change: p.Asn394_Gly415del.
Molecular consequence: inframe deletion.
Genome position (GRCh38, 1-based): chr2:207,767,494-207,767,559, 66 bases deleted. GRCh37 (hg19): chr2:208,632,225-208,632,290.
Identifiers: ClinVar variation 694331 (VCV000694331.4), dbSNP rs2091986259, ClinGen allele CA916082277.